The following is an entry in ClinVar:

ClinVar aggregate classification (germline): Uncertain significance. Review status: criteria provided, multiple submitters, no conflicts (2 of 4 stars). 2 submissions from 2 submitters: Uncertain significance (2). Last evaluated 2023-12-10.

Conditions:
Hereditary cancer-predisposing syndrome. Also called: Tumor predisposition; Hereditary neoplastic syndrome; Neoplastic Syndromes, Hereditary; Hereditary Cancer Syndrome. Identifiers: Orphanet 140162, MedGen C0027672, MeSH D009386, MONDO:0015356.

Allele frequency attached by ClinVar (database versions not stated): gnomAD exomes below 0.00001.
gnomAD v4.1: 1 of 1,614,050 alleles (0.000062%); highest among the groups gnomAD compares: Non-Finnish European, 0.000085%; no homozygotes.

Submissions (2):

Ambry Genetics
Classification: Uncertain significance for Hereditary cancer-predisposing syndrome. Last evaluated: 2023-12-10. Review status: criteria provided, single submitter. Criteria: Ambry Variant Classification Scheme 2023. Collection method: clinical testing. Allele origin: germline.
Comment: The p.P2233S variant (also known as c.6697C>T), located in coding exon 48 of the POLE gene, results from a C to T substitution at nucleotide position 6697. The proline at codon 2233 is replaced by serine, an amino acid with similar properties. This amino acid position is conserved. In addition, this alteration is predicted to be tolerated by in silico analysis. Since supporting evidence is limited at this time, the clinical significance of this alteration remains unclear.

Labcorp Genetics (formerly Invitae), Labcorp
Classification: Uncertain significance. Last evaluated: 2019-11-08. Review status: criteria provided, single submitter. Criteria: Invitae Variant Classification Sherloc (09022015). Collection method: clinical testing. Allele origin: germline.
Comment: This sequence change replaces proline with serine at codon 2233 of the POLE protein (p.Pro2233Ser). The proline residue is moderately conserved and there is a moderate physicochemical difference between proline and serine. This variant is not present in population databases (ExAC no frequency). This variant has not been reported in the literature in individuals with POLE-related conditions. Algorithms developed to predict the effect of missense changes on protein structure and function output the following: SIFT: "Tolerated"; PolyPhen-2: "Benign"; Align-GVGD: "Class C0". The serine amino acid residue is found in multiple mammalian species, suggesting that this missense change does not adversely affect protein function. These predictions have not been confirmed by published functional studies and their clinical significance is uncertain. In summary, the available evidence is currently insufficient to determine the role of this variant in disease. Therefore, it has been classified as a Variant of Uncertain Significance.

NM_006231.4(POLE):c.6697C>T (p.Pro2233Ser)

Gene: POLE (DNA polymerase epsilon, catalytic subunit; minus strand). Cytogenetic location: 12q24.33.
Variant type: single nucleotide variant.
Coding change: c.6697C>T on transcript NM_006231.4 (MANE Select); coding-DNA position 6697, C replaced by T.
Protein change: p.Pro2233Ser; replaces proline 2233 with serine.
Molecular consequence: missense variant.
Genome position (GRCh38, 1-based): chr12:132,624,955, G>A on the plus strand (C>T on the coding strand, the complement: POLE is on the minus strand). VCF-style: chr12-132624955-G-A. GRCh37 (hg19) VCF-style: chr12-133201541-G-A.
Other names: c.6697C>T (NM_006231.2); short protein forms P2233S.
Identifiers: ClinVar variation 860676 (VCV000860676.10), dbSNP rs2041801247, ClinGen allele CA387366151.